The following is an entry in ClinVar:

NR_001564.3(XIST):n.9716C>T

Gene: XIST (X inactive specific transcript; minus strand). Cytogenetic location: Xq13.2.
Variant type: single nucleotide variant.
Genome position: GRCh38 VCF-style: chrX-73842999-G-A. GRCh37 (hg19) VCF-style: chrX-73062834-G-A.
Identifiers: ClinVar variation 3040456 (VCV003040456.2), dbSNP rs145132185, ClinGen allele CA10452740.

ClinVar aggregate classification (germline): Likely benign (0 of 4 stars; one submission).

Conditions:
XIST-related disorder. Also called: XIST-related condition.

Allele frequency attached by ClinVar (database versions not stated): 1000 Genomes Project 0.00026; 1000 Genomes Project 30x 0.00042; TOPMed 0.00188; gnomAD 0.00225; ExAC 0.00277; ESP Exome Variant Server 0.00354.
gnomAD v4.1: 1,511 of 556,789 alleles (0.27%); highest among the groups gnomAD compares: Non-Finnish European, 0.41%; 3 homozygotes.

Submission:

PreventionGenetics, part of Exact Sciences
Classification: Likely benign for XIST-related condition. Last evaluated: 2019-04-18. Review status: no assertion criteria provided. Collection method: clinical testing. Allele origin: germline.
Comment: This variant is classified as likely benign based on ACMG/AMP sequence variant interpretation guidelines (Richards et al. 2015 PMID: 25741868, with internal and published modifications).